The following is an entry in ClinVar:

ClinVar aggregate classification (germline): Uncertain significance (1 of 4 stars; one submission).

Submission:

Labcorp Genetics (formerly Invitae), Labcorp
Classification: Uncertain significance. Last evaluated: 2023-12-30. Review status: criteria provided, single submitter. Criteria: Invitae Variant Classification Sherloc (09022015). Collection method: clinical testing. Allele origin: germline.
Comment: This variant is a gross deletion of the genomic region encompassing exon(s) 18-19 of the LPIN1 gene. This variant would be expected to be in-frame, preserving the integrity of the reading frame. A similar copy number variant has been observed in individual(s) with clinincal features of myoglobinuria (Invitae). Experimental studies and prediction algorithms are not available or were not evaluated, and the functional significance of this variant is currently unknown. This variant disrupts a region of the LPIN1 protein in which other variant(s) (p.Asp804Asn) have been observed in individuals with LPIN1-related conditions (PMID: 32115342). This suggests that this is a clinically significant region of the protein, and that variants that disrupt it are likely to be disease-causing. In summary, the available evidence is currently insufficient to determine the role of this variant in disease. Therefore, it has been classified as a Variant of Uncertain Significance.

Literature cited by the submitters: PubMed 32115342.

NC_000002.11:g.(?_11959590)_(11960660_?)del

Gene: LPIN1 (lipin 1; plus strand). Cytogenetic location: 2p25.1.
Variant type: Deletion.
Identifiers: ClinVar variation 1348044 (VCV001348044.5).